The following is an entry in ClinVar:

NM_004360.5(CDH1):c.1017T>C (p.Pro339=)

Gene: CDH1 (cadherin 1; plus strand). Cytogenetic location: 16q22.1.
Variant type: single nucleotide variant.
Coding change: c.1017T>C on transcript NM_004360.5 (MANE Select); coding-DNA position 1017, T replaced by C.
Protein change: p.Pro339=; no amino-acid change (proline 339 retained).
Molecular consequence: synonymous variant. On other transcripts: 5 prime UTR variant (2).
Genome position (GRCh38, 1-based): chr16:68,812,143, T>C. VCF-style: chr16-68812143-T-C. GRCh37 (hg19) VCF-style: chr16-68846046-T-C.
Other names: c.1017T>C (LRG_301t1); c.1017T>C, p.Pro339= (NM_001317184.2); c.-599T>C (NM_001317185.2); c.-803T>C (NM_001317186.2).
Identifiers: ClinVar variation 184101 (VCV000184101.47), dbSNP rs746639322, ClinGen allele CA187790.

ClinVar aggregate classification (germline): Benign/Likely benign. Review status: criteria provided, multiple submitters, no conflicts (2 of 4 stars). 10 submissions from 10 submitters: Benign (1); Likely benign (8). 1 of the submissions does not count toward it. Last evaluated 2025-12-16.

Conditions:
CDH1-related disorder. Also called: CDH1-related condition.
Ovarian cancer. Also called: OVARIAN CANCER, SOMATIC. Identifiers: Orphanet 213500, MedGen C1140680, MONDO:0008170, OMIM 167000.
Familial cancer of breast. Also called: hereditary breast carcinoma; BREAST CANCER, FAMILIAL; Hereditary breast cancer. Identifiers: Orphanet 227535, MedGen C0346153, MONDO:0016419, OMIM 114480. Disease mechanism: loss of function.
Hereditary cancer-predisposing syndrome. Also called: Tumor predisposition; Neoplastic Syndromes, Hereditary; Hereditary Cancer Syndrome; Hereditary neoplastic syndrome. Identifiers: Orphanet 140162, MedGen C0027672, MeSH D009386, MONDO:0015356.
Hereditary diffuse gastric adenocarcinoma (HDGC). Also called: DIFFUSE GASTRIC AND LOBULAR BREAST CANCER SYNDROME. Identifiers: Orphanet 26106, MedGen C1708349, MONDO:0007648, OMIM 137215.

Allele frequency attached by ClinVar (database versions not stated): ExAC 0.00001; gnomAD 0.00002; gnomAD exomes 0.00002; TOPMed 0.00002.
gnomAD v4.1: 30 of 1,613,986 alleles (0.0019%); highest among the groups gnomAD compares: Non-Finnish European, 0.0025%; no homozygotes.

Submissions (10):

Labcorp Genetics (formerly Invitae), Labcorp
Classification: Likely benign for Hereditary diffuse gastric adenocarcinoma. Last evaluated: 2025-12-16. Review status: criteria provided, single submitter. Criteria: Invitae Variant Classification Sherloc (09022015). Collection method: clinical testing. Allele origin: germline.

CeGaT Center for Human Genetics Tuebingen
Classification: Likely benign. Last evaluated: 2025-05-01. Review status: criteria provided, single submitter. Criteria: CeGaT Center For Human Genetics Tuebingen Variant Classification Criteria Version 2. Collection method: clinical testing. Allele origin: germline. Affected: yes. Observed: 1 variant allele.
Comment: CDH1: BP4, BP7

Myriad Genetics, Inc.
Classification: Benign for Hereditary diffuse gastric adenocarcinoma. Last evaluated: 2024-09-17. Review status: criteria provided, single submitter. Criteria: Myriad Autosomal Dominant, Autosomal Recessive and X-Linked Classification Criteria (2023). Collection method: clinical testing. Allele origin: unknown.
Comment: This variant is considered benign. This variant is a silent/synonymous amino acid change and it is not expected to impact splicing.

Sema4
Classification: Likely benign for Hereditary cancer-predisposing syndrome. Last evaluated: 2021-05-21. Review status: criteria provided, single submitter. Criteria: Sema4 Curation Guidelines. Collection method: curation. Allele origin: germline.

Department of Pathology and Laboratory Medicine, Sinai Health System
Classification: Likely benign for Familial cancer of breast; Ovarian cancer. Last evaluated: 2021-04-19. Review status: criteria provided, single submitter. Criteria: ACMG Guidelines, 2015. Collection method: clinical testing. Allele origin: germline. Affected: yes.

Quest Diagnostics Nichols Institute San Juan Capistrano
Classification: Likely benign. Last evaluated: 2019-11-20. Review status: criteria provided, single submitter. Criteria: Quest Diagnostics criteria. Collection method: clinical testing. Allele origin: unknown.

GeneDx
Classification: Likely benign. Last evaluated: 2018-09-20. Review status: criteria provided, single submitter. Criteria: GeneDx Variant Classification Process June 2021. Collection method: clinical testing. Allele origin: germline. Affected: yes.

Color Diagnostics, LLC DBA Color Health
Classification: Likely benign for Hereditary cancer-predisposing syndrome. Last evaluated: 2017-02-15. Review status: criteria provided, single submitter. Criteria: ACMG Guidelines, 2015. Collection method: clinical testing. Allele origin: germline.

Ambry Genetics
Classification: Likely benign for Hereditary cancer-predisposing syndrome. Last evaluated: 2015-01-13. Review status: criteria provided, single submitter. Criteria: Ambry Variant Classification Scheme 2023. Collection method: clinical testing. Allele origin: germline.

PreventionGenetics, part of Exact Sciences
Classification: Likely benign for CDH1-related condition. Last evaluated: 2019-07-30. Review status: no assertion criteria provided. Collection method: clinical testing. Allele origin: germline. Not counted in ClinVar's aggregate classification.
Comment: This variant is classified as likely benign based on ACMG/AMP sequence variant interpretation guidelines (Richards et al. 2015 PMID: 25741868, with internal and published modifications).